The following is an entry in ClinVar:

ClinVar aggregate classification (germline): Uncertain significance (1 of 4 stars; one submission).

Conditions:
Cardiovascular phenotype. Identifiers: MedGen CN230736.

gnomAD v4.1: 9 of 1,614,154 alleles (0.00056%); highest among the groups gnomAD compares: Non-Finnish European, 0.00076%; no homozygotes.

Submission:

Ambry Genetics
Classification: Uncertain significance for Cardiovascular phenotype. Last evaluated: 2024-11-30. Review status: criteria provided, single submitter. Criteria: Ambry Variant Classification Scheme 2023. Collection method: clinical testing. Allele origin: germline.
Comment: The p.A1716T variant (also known as c.5146G>A), located in coding exon 26 of the APOB gene, results from a G to A substitution at nucleotide position 5146. The alanine at codon 1716 is replaced by threonine, an amino acid with similar properties. This amino acid position is conserved. In addition, this alteration is predicted to be tolerated by in silico analysis. Based on the available evidence, the clinical significance of this variant remains unclear.

NM_000384.3(APOB):c.5146G>A (p.Ala1716Thr)

Gene: APOB (apolipoprotein B; minus strand). Cytogenetic location: 2p24.1.
Variant type: single nucleotide variant.
Coding change: c.5146G>A on transcript NM_000384.3 (MANE Select); coding-DNA position 5146, G replaced by A.
Protein change: p.Ala1716Thr; replaces alanine 1716 with threonine.
Molecular consequence: missense variant.
Genome position (GRCh38, 1-based): chr2:21,011,722, C>T on the plus strand (G>A on the coding strand, the complement: APOB is on the minus strand). VCF-style: chr2-21011722-C-T. GRCh37 (hg19) VCF-style: chr2-21234594-C-T.
Other names: short protein forms A1716T.
Identifiers: ClinVar variation 3416438 (VCV003416438.1).